The following is an entry in ClinVar:

NM_203446.3(SYNJ1):c.2024G>A (p.Arg675Gln)

Gene: SYNJ1 (synaptojanin 1; minus strand). Cytogenetic location: 21q22.11.
Variant type: single nucleotide variant.
Coding change: c.2024G>A on transcript NM_203446.3 (MANE Select); coding-DNA position 2024, G replaced by A.
Protein change: p.Arg675Gln; replaces arginine 675 with glutamine.
Molecular consequence: missense variant.
Genome position (GRCh38, 1-based): chr21:32,666,064, C>T on the plus strand (G>A on the coding strand, the complement: SYNJ1 is on the minus strand). VCF-style: chr21-32666064-C-T. GRCh37 (hg19) VCF-style: chr21-34038374-C-T.
Other names: c.2024G>A, p.Arg675Gln (NM_001160302.2); c.2009G>A, p.Arg670Gln (NM_001160306.2); c.2141G>A, p.Arg714Gln (NM_003895.4); short protein forms R670Q, R675Q, R714Q.
Identifiers: ClinVar variation 3777397 (VCV003777397.2).

ClinVar aggregate classification (germline): Uncertain significance. Review status: criteria provided, multiple submitters, no conflicts (2 of 4 stars). 2 submissions from 2 submitters: Uncertain significance (2). Last evaluated 2025-07-11.

Conditions:
Developmental and epileptic encephalopathy, 53. Also called: Epileptic encephalopathy, early infantile, 53. Identifiers: MedGen C4479313, MONDO:0033362, OMIM 617389.
Early-onset Parkinson disease 20. Also called: PARKINSON DISEASE 20, AUTOSOMAL RECESSIVE EARLY-ONSET. Identifiers: Orphanet 391411, MedGen C3809824, MONDO:0014233, OMIM 615530.

gnomAD v4.1: 4 of 1,613,826 alleles (0.00025%); highest among the groups gnomAD compares: African/African-American, 0.0013%; no homozygotes.

Submissions (2):

Labcorp Genetics (formerly Invitae), Labcorp
Classification: Uncertain significance for Developmental and epileptic encephalopathy, 53; Early-onset Parkinson disease 20. Last evaluated: 2025-07-11. Review status: criteria provided, single submitter. Criteria: Invitae Variant Classification Sherloc (09022015). Collection method: clinical testing. Allele origin: germline.
Comment: This sequence change replaces arginine, which is basic and polar, with glutamine, which is neutral and polar, at codon 714 of the SYNJ1 protein (p.Arg714Gln). This variant is not present in population databases (gnomAD no frequency). This missense change has been observed in individual(s) with SYNJ1-related conditions (PMID: 32613234, 37750340). This variant is also known as p.R670Q. ClinVar contains an entry for this variant (Variation ID: 3777397). Invitae Evidence Modeling of protein sequence and biophysical properties (such as structural, functional, and spatial information, amino acid conservation, physicochemical variation, residue mobility, and thermodynamic stability) indicates that this missense variant is expected to disrupt SYNJ1 protein function with a positive predictive value of 80%. In summary, the available evidence is currently insufficient to determine the role of this variant in disease. Therefore, it has been classified as a Variant of Uncertain Significance.

GeneDx
Classification: Uncertain significance. Last evaluated: 2024-10-08. Review status: criteria provided, single submitter. Criteria: GeneDx Variant Classification Process June 2021. Collection method: clinical testing. Allele origin: germline. Affected: yes.
Comment: Not observed at significant frequency in large population cohorts (gnomAD); In silico analysis supports that this missense variant has a deleterious effect on protein structure/function; This variant is associated with the following publications: (PMID: 37750340, 32613234)

Literature cited by the submitters: PubMed 32613234 (cited by Labcorp Genetics (formerly Invitae), Labcorp); PubMed 37750340 (cited by Labcorp Genetics (formerly Invitae), Labcorp).